The following is an entry in ClinVar:

NM_000329.3(RPE65):c.246-10T>C

Gene: RPE65 (retinoid isomerohydrolase RPE65; minus strand). Cytogenetic location: 1p31.3.
Variant type: single nucleotide variant.
Coding change: c.246-10T>C on transcript NM_000329.3 (MANE Select); 10 bases into the intron before coding-DNA position 246, T replaced by C.
Molecular consequence: intron variant.
Genome position (GRCh38, 1-based): chr1:68,444,893, A>G on the plus strand (T>C on the coding strand, the complement: RPE65 is on the minus strand). VCF-style: chr1-68444893-A-G. GRCh37 (hg19) VCF-style: chr1-68910576-A-G.
Other names: c.-31-10T>C (NM_001406857.1, NM_001406856.1); c.246-221T>C (NM_001406853.1); c.246-10T>C (NM_001406859.1, NM_001406860.1).
Identifiers: ClinVar variation 3750290 (VCV003750290.2).

ClinVar aggregate classification (germline): Uncertain significance (1 of 4 stars; one submission).

Conditions:
Retinitis pigmentosa 20 (RP20). Identifiers: Orphanet 791, MedGen C3151086, MONDO:0013425, OMIM 613794.
Leber congenital amaurosis 2 (LCA2). Also called: AMAUROSIS CONGENITA OF LEBER II; Autosomal Recessive RPE65-Related Retinal Degeneration. Identifiers: Orphanet 65, MedGen C1859844, MONDO:0008765, OMIM 204100. Disease mechanism: loss of function.

gnomAD v4.1: 4 of 1,612,876 alleles (0.00025%); highest among the groups gnomAD compares: Non-Finnish European, 0.00034%; no homozygotes.

Submission:

Labcorp Genetics (formerly Invitae), Labcorp
Classification: Uncertain significance for Leber congenital amaurosis 2; Retinitis pigmentosa 20. Last evaluated: 2024-12-12. Review status: criteria provided, single submitter. Criteria: Invitae Variant Classification Sherloc (09022015). Collection method: clinical testing. Allele origin: germline.
Comment: This sequence change falls in intron 3 of the RPE65 gene. It does not directly change the encoded amino acid sequence of the RPE65 protein. This variant is not present in population databases (gnomAD no frequency). This variant has not been reported in the literature in individuals affected with RPE65-related conditions. Algorithms developed to predict the effect of sequence changes on RNA splicing suggest that this variant may disrupt the consensus splice site. In summary, the available evidence is currently insufficient to determine the role of this variant in disease. Therefore, it has been classified as a Variant of Uncertain Significance.